The following is an entry in ClinVar:

NM_000285.4(PEPD):c.694T>A (p.Ser232Thr)

Gene: PEPD (peptidase D; minus strand). Cytogenetic location: 19q13.11.
Variant type: single nucleotide variant.
Coding change: c.694T>A on transcript NM_000285.4 (MANE Select); coding-DNA position 694, T replaced by A.
Protein change: p.Ser232Thr; replaces serine 232 with threonine.
Molecular consequence: missense variant.
Genome position (GRCh38, 1-based): chr19:33,413,621, A>T on the plus strand (T>A on the coding strand, the complement: PEPD is on the minus strand). VCF-style: chr19-33413621-A-T. GRCh37 (hg19) VCF-style: chr19-33904527-A-T.
Other names: c.571T>A, p.Ser191Thr (NM_001166056.2); c.502T>A, p.Ser168Thr (NM_001166057.2); short protein forms S191T, S232T, S168T.
Identifiers: ClinVar variation 2796511 (VCV002796511.3), dbSNP rs751074130, ClinGen allele CA307542883.
Genomic context (GRCh38, chr19:33,413,621, plus strand): 5'-GGTGCCCCGCTTACCTGCCGCAGATGCAGGTGTAGGAGCTGTGGCGCATGCCGCCCCGGG[A>T]GTAGCAGTAGTGCTCGAAGAGGCTGCAGGGGGAGAGACGCGTCAGGGTTGGGGCACTAGA-3'
Protein context (NP_000276.2, residues 222-242): LESLFEHYCY[Ser232Thr]RGGMRHSSYT

ClinVar aggregate classification (germline): Uncertain significance (1 of 4 stars; one submission).

Allele frequency attached by ClinVar (database versions not stated): TOPMed below 0.00001; gnomAD 0.00001.
gnomAD v4.1: 5 of 1,587,890 alleles (0.00031%); highest among the groups gnomAD compares: Non-Finnish European, 0.00043%; no homozygotes.

Submission:

Labcorp Genetics (formerly Invitae), Labcorp
Classification: Uncertain significance. Last evaluated: 2023-06-22. Review status: criteria provided, single submitter. Criteria: Invitae Variant Classification Sherloc (09022015). Collection method: clinical testing. Allele origin: germline.
Comment: In summary, the available evidence is currently insufficient to determine the role of this variant in disease. Therefore, it has been classified as a Variant of Uncertain Significance. Advanced modeling of protein sequence and biophysical properties (such as structural, functional, and spatial information, amino acid conservation, physicochemical variation, residue mobility, and thermodynamic stability) performed at Invitae indicates that this missense variant is not expected to disrupt PEPD protein function. This variant has not been reported in the literature in individuals affected with PEPD-related conditions. The frequency data for this variant in the population databases is considered unreliable, as metrics indicate poor data quality at this position in the gnomAD database. This sequence change replaces serine, which is neutral and polar, with threonine, which is neutral and polar, at codon 232 of the PEPD protein (p.Ser232Thr).